The following is an entry in ClinVar:

NM_172107.4(KCNQ2):c.641G>C (p.Arg214Pro)

Gene: KCNQ2 (potassium voltage-gated channel subfamily Q member 2; minus strand). Cytogenetic location: 20q13.33.
Variant type: single nucleotide variant.
Coding change: c.641G>C on transcript NM_172107.4 (MANE Select); coding-DNA position 641, G replaced by C.
Protein change: p.Arg214Pro; replaces arginine 214 with proline.
Molecular consequence: missense variant.
Genome position (GRCh38, 1-based): chr20:63,444,708, C>G on the plus strand (G>C on the coding strand, the complement: KCNQ2 is on the minus strand). VCF-style: chr20-63444708-C-G. GRCh37 (hg19) VCF-style: chr20-62076061-C-G.
Other names: c.641G>C, p.Arg214Pro (NM_004518.6, NM_172106.3, NM_172108.5 and 1 more transcripts); short protein forms R214P.
Identifiers: ClinVar variation 373698 (VCV000373698.1), dbSNP rs1057518555, ClinGen allele CA16043158.

ClinVar aggregate classification (germline): Likely pathogenic (1 of 4 stars; one submission).

Submission:

GeneDx
Classification: Likely pathogenic. Last evaluated: 2016-12-06. Review status: criteria provided, single submitter. Criteria: GeneDx Variant Classification (06012015). Collection method: clinical testing. Allele origin: germline. Affected: yes.
Comment: A novel R214P variant that is likely pathogenic has been identified in the KCNQ2 gene. The R214P variant has not been published as a pathogenic variant, nor has it been reported as a benign variant to our knowledge. The R214P variant is not observed in large population cohorts (Lek et al., 2016; 1000 Genomes Consortium et al., 2015; Exome Variant Server). The R214P variant is a non-conservative amino acid substitution, which is likely to impact secondary protein structure as these residues differ in polarity, charge, size and/or other properties. This substitution occurs at a conserved position predicted to be within the Segment S4 voltage-sensor helical transmembrane domain. A different missense variant in the same residue (R214W) as well as multiple missense variants in nearby residues have been reported in the Human Gene Mutation Database in association with KCNQ2-related disorders (Stenson et al., 2014), supporting the functional importance of this region of the protein. In silico analysis predicts this variant is probably damaging to the protein structure/function. Therefore, this variant is likely pathogenic; however, the possibility that it is benign cannot be excluded.